The following is an entry in ClinVar:

ClinVar aggregate classification (germline): Uncertain significance. Review status: criteria provided, multiple submitters, no conflicts (2 of 4 stars). 4 submissions from 4 submitters: Uncertain significance (4). Last evaluated 2026-03-07.

Conditions:
PKD1-related disorder. Also called: PKD1-related condition.
Inborn genetic diseases. Identifiers: MedGen C0950123, MeSH D030342.

Allele frequency attached by ClinVar (database versions not stated): gnomAD exomes 0.00001 and 0.00003; gnomAD 0.00002; TOPMed 0.00002.
gnomAD v4.1: 53 of 1,602,068 alleles (0.0033%); highest among the groups gnomAD compares: Non-Finnish European, 0.0038%; no homozygotes.

Submissions (4):

PreventionGenetics, part of Exact Sciences
Classification: Uncertain significance for PKD1-related condition. Last evaluated: 2026-03-07. Review status: criteria provided, single submitter. Criteria: ACMG Guidelines, 2015. Collection method: clinical testing. Allele origin: germline.
Comment: The PKD1 c.1999A>G variant is predicted to result in the amino acid substitution p.Asn667Asp. To our knowledge, this variant has not been reported in the literature. This variant is reported in 0.0033% of alleles in individuals of European (Non-Finnish) descent in gnomAD. At this time, the clinical significance of this variant is uncertain due to the absence of conclusive functional and genetic evidence.

Ambry Genetics
Classification: Uncertain significance for Inborn genetic diseases. Last evaluated: 2024-07-31. Review status: criteria provided, single submitter. Criteria: Ambry Variant Classification Scheme 2023. Collection method: clinical testing. Allele origin: germline.

GeneDx
Classification: Uncertain significance. Last evaluated: 2024-05-29. Review status: criteria provided, single submitter. Criteria: GeneDx Variant Classification Process June 2021. Collection method: clinical testing. Allele origin: germline. Affected: yes.
Comment: Not observed at significant frequency in large population cohorts (gnomAD); In silico analysis supports that this missense variant has a deleterious effect on protein structure/function; Has not been previously published as pathogenic or benign to our knowledge

CeGaT Center for Human Genetics Tuebingen
Classification: Uncertain significance. Last evaluated: 2024-05-01. Review status: criteria provided, single submitter. Criteria: CeGaT Center For Human Genetics Tuebingen Variant Classification Criteria Version 2. Collection method: clinical testing. Allele origin: germline. Affected: yes. Observed: 1 variant allele.
Comment: PKD1: PM2, BP4

NM_001009944.3(PKD1):c.1999A>G (p.Asn667Asp)

Gene: PKD1 (polycystin 1, transient receptor potential channel interacting; minus strand). Cytogenetic location: 16p13.3.
Variant type: single nucleotide variant.
Coding change: c.1999A>G on transcript NM_001009944.3 (MANE Select); coding-DNA position 1999, A replaced by G.
Protein change: p.Asn667Asp; replaces asparagine 667 with aspartic acid.
Molecular consequence: missense variant.
Genome position (GRCh38, 1-based): chr16:2,115,476, T>C on the plus strand (A>G on the coding strand, the complement: PKD1 is on the minus strand). VCF-style: chr16-2115476-T-C. GRCh37 (hg19) VCF-style: chr16-2165477-T-C.
Other names: c.1999A>G, p.Asn667Asp (NM_000296.4); c.1999A>G (NM_000296.3); short protein forms N667D.
Identifiers: ClinVar variation 450452 (VCV000450452.24), dbSNP rs1351098350, ClinGen allele CA394389725.